The following is an entry in ClinVar:

NM_002900.3(RBP3):c.3417G>A (p.Met1139Ile)

Gene: RBP3 (retinol binding protein 3; plus strand). Cytogenetic location: 10q11.22.
Variant type: single nucleotide variant.
Coding change: c.3417G>A on transcript NM_002900.3 (MANE Select); coding-DNA position 3417, G replaced by A.
Protein change: p.Met1139Ile; replaces methionine 1139 with isoleucine.
Molecular consequence: missense variant.
Genome position (GRCh38, 1-based): chr10:47,357,130, G>A. VCF-style: chr10-47357130-G-A. GRCh37 (hg19) VCF-style: chr10-48382232-C-T.
Other names: c.3417G>A (NM_002900.2); short protein forms M1139I.
Identifiers: ClinVar variation 1964301 (VCV001964301.6), dbSNP rs2549031445, ClinGen allele CA376677167.

ClinVar aggregate classification (germline): Uncertain significance. Review status: criteria provided, multiple submitters, no conflicts (2 of 4 stars). 2 submissions from 2 submitters: Uncertain significance (2). Last evaluated 2025-08-13.

Conditions:
Inborn genetic diseases. Identifiers: MedGen C0950123, MeSH D030342.

Allele frequency attached by ClinVar (database versions not stated): gnomAD exomes 0.00001.

Submissions (2):

Ambry Genetics
Classification: Uncertain significance for Inborn genetic diseases. Last evaluated: 2025-08-13. Review status: criteria provided, single submitter. Criteria: Ambry Variant Classification Scheme 2023. Collection method: clinical testing. Allele origin: germline.

Labcorp Genetics (formerly Invitae), Labcorp
Classification: Uncertain significance. Last evaluated: 2023-08-24. Review status: criteria provided, single submitter. Criteria: Invitae Variant Classification Sherloc (09022015). Collection method: clinical testing. Allele origin: germline.
Comment: Algorithms developed to predict the effect of missense changes on protein structure and function output the following: SIFT: "Not Available"; PolyPhen-2: "Benign"; Align-GVGD: "Not Available". The isoleucine amino acid residue is found in multiple mammalian species, which suggests that this missense change does not adversely affect protein function. ClinVar contains an entry for this variant (Variation ID: 1964301). This variant has not been reported in the literature in individuals affected with RBP3-related conditions. This variant is not present in population databases (gnomAD no frequency). This sequence change replaces methionine, which is neutral and non-polar, with isoleucine, which is neutral and non-polar, at codon 1139 of the RBP3 protein (p.Met1139Ile). In summary, the available evidence is currently insufficient to determine the role of this variant in disease. Therefore, it has been classified as a Variant of Uncertain Significance.